The following is an entry in ClinVar:

ClinVar aggregate classification (germline): Likely pathogenic (1 of 4 stars; one submission).

Submission:

GeneDx
Classification: Likely pathogenic. Last evaluated: 2018-04-23. Review status: criteria provided, single submitter. Criteria: GeneDx Variant Classification (06012015). Collection method: clinical testing. Allele origin: germline. Affected: yes.
Comment: The c.13147_13148delCCinsA variant in the HERC1 gene has not been reported previously as a pathogenic variant nor as a benign variant, to our knowledge. The c.13147_13148delCCinsA variant causes a frameshift starting with codon Proline 4383, changes this amino acid to a Threonine residue, and creates a premature Stop codon at position 7 of the new reading frame, denoted p.Pro4383ThrfsX7. This variant is predicted to cause loss of normal protein function either through protein truncation or nonsense-mediated mRNA decay. The c.13147_13148delCCinsA variant is not observed in large population cohorts (Lek et al., 2016). We interpret c.13147_13148delCCinsA as a likely pathogenic variant.

NM_003922.4(HERC1):c.13147_13148delinsA (p.Pro4383fs)

Gene: HERC1 (HECT and RLD domain containing E3 ubiquitin protein ligase family member 1; minus strand). Cytogenetic location: 15q22.31.
Variant type: Indel.
Coding change: c.13147_13148delinsA on transcript NM_003922.4 (MANE Select); coding-DNA positions 13147 to 13148, CC replaced by A.
Protein change: p.Pro4383fs; shifts the reading frame from proline 4383.
Molecular consequence: frameshift variant.
Genome position (GRCh38, 1-based): chr15:63,626,112-63,626,113, GG replaced by T on the plus strand (CC replaced by A on the coding strand, the reverse complement: HERC1 is on the minus strand). VCF-style: chr15-63626112-GG-T. GRCh37 (hg19) VCF-style: chr15-63918311-GG-T.
Other names: short protein forms P4383fs.
Identifiers: ClinVar variation 524150 (VCV000524150.2), dbSNP rs1555404908, ClinGen allele CA658798399.